The following is an entry in ClinVar:

ClinVar aggregate classification (germline): Uncertain significance. Review status: criteria provided, multiple submitters, no conflicts (2 of 4 stars). 6 submissions from 6 submitters: Uncertain significance (6). Last evaluated 2026-01-27.

Conditions:
Ehlers-Danlos syndrome, type 4 (EDSVASC). Also called: Ehlers-Danlos Syndrome Type IV; Ehlers-Danlos syndrome vascular type; Ehlers Danlos syndrome, ecchymotic type; Ehlers Danlos syndrome, arterial type; Ehlers Danlos syndrome, Sack-Barabas type. Identifiers: Orphanet 286, MedGen C0268338, MONDO:0017314, OMIM 130050.
Familial thoracic aortic aneurysm and aortic dissection (TAAD). Also called: Thoracic aortic aneurysms and dissections. Identifiers: Orphanet 91387, MedGen C4707243, MONDO:0019625.

Allele frequency attached by ClinVar (database versions not stated): TOPMed 0.00003.

Submissions (6):

Labcorp Genetics (formerly Invitae), Labcorp
Classification: Uncertain significance for Ehlers-Danlos syndrome, type 4. Last evaluated: 2026-01-27. Review status: criteria provided, single submitter. Criteria: Invitae Variant Classification Sherloc (09022015). Collection method: clinical testing. Allele origin: germline.
Comment: This sequence change replaces alanine, which is neutral and non-polar, with proline, which is neutral and non-polar, at codon 401 of the COL3A1 protein (p.Ala401Pro). This variant is present in population databases (no rsID available, gnomAD 0.002%). This variant has not been reported in the literature in individuals affected with COL3A1-related conditions. ClinVar contains an entry for this variant (Variation ID: 919195). Invitae Evidence Modeling of protein sequence and biophysical properties (such as structural, functional, and spatial information, amino acid conservation, physicochemical variation, residue mobility, and thermodynamic stability) indicates that this missense variant is not expected to disrupt COL3A1 protein function with a negative predictive value of 95%. In summary, the available evidence is currently insufficient to determine the role of this variant in disease. Therefore, it has been classified as a Variant of Uncertain Significance.

Color Diagnostics, LLC DBA Color Health
Classification: Uncertain significance for Familial thoracic aortic aneurysm and aortic dissection. Last evaluated: 2025-09-09. Review status: criteria provided, single submitter. Criteria: ACMG Guidelines, 2015. Collection method: clinical testing. Allele origin: germline.
Comment: This missense variant replaces alanine with proline at codon 401 of the COL3A1 protein. Computational prediction suggests that this variant may not impact protein structure and function. To our knowledge, functional studies have not been reported for this variant. This variant has not been reported in individuals affected with COL3A1-related disorders in the literature. This variant has been identified in 1/251172 chromosomes in the general population by the Genome Aggregation Database (gnomAD). The available evidence is insufficient to determine the role of this variant in disease conclusively. Therefore, this variant is classified as a Variant of Uncertain Significance.

GeneDx
Classification: Uncertain significance. Last evaluated: 2025-08-26. Review status: criteria provided, single submitter. Criteria: GeneDx Variant Classification Process June 2021. Collection method: clinical testing. Allele origin: germline.
Comment: Not observed at significant frequency in large population cohorts (gnomAD); Occurs in the triple helical domain at the Y position in the canonical Gly-X-Y repeat; although this variant may have an effect on normal protein folding and function, missense substitution at the Y position is not a common mechanism of disease (HGMD); In silico analysis indicates that this missense variant does not alter protein structure/function; Has not been previously published as pathogenic or benign to our knowledge

All of Us Research Program, National Institutes of Health
Classification: Uncertain significance for Ehlers-Danlos syndrome, type 4. Last evaluated: 2024-02-05. Review status: criteria provided, single submitter. Criteria: ACMG Guidelines, 2015. Collection method: clinical testing. Allele origin: germline. Inheritance: Autosomal dominant inheritance. Observed: 6 variant alleles, 6 heterozygotes.
Comment: This missense variant replaces alanine with proline at codon 401 of the COL3A1 protein. Computational prediction tools and conservation analyses are inconclusive regarding the impact of this variant on the protein function. Computational splicing tools suggest that this variant may not impact RNA splicing. To our knowledge, functional assays have not been performed for this variant nor has this variant been reported in individuals affected with cardiovascular disorders in the literature. This variant has been identified in 1/251172 chromosomes in the general population by the Genome Aggregation Database (gnomAD). Available evidence is insufficient to determine the role of this variant in disease conclusively. Therefore, this variant is classified as a Variant of Uncertain Significance.

This study involves interpretation of variants in research participants for the purpose of population health screening. Participant phenotype was not available at the time of variant classification. Additional details can be found in publication PMID: 35346344, PMCID: PMC8962531

Revvity Omics, Revvity
Classification: Uncertain significance. Last evaluated: 2021-05-18. Review status: criteria provided, single submitter. Criteria: ACMG Guidelines, 2015. Collection method: clinical testing. Allele origin: germline.

Breakthrough Genomics
Classification: Uncertain significance. Review status: criteria provided, single submitter. Criteria: ACMG Guidelines, 2015. Collection method: not provided. Allele origin: germline. Inheritance: Autosomal recessive inheritance. Affected: yes.

NM_000090.4(COL3A1):c.1201G>C (p.Ala401Pro)

Gene: COL3A1 (collagen type III alpha 1 chain; plus strand). Cytogenetic location: 2q32.2.
Variant type: single nucleotide variant.
Coding change: c.1201G>C on transcript NM_000090.4 (MANE Select); coding-DNA position 1201, G replaced by C.
Protein change: p.Ala401Pro; replaces alanine 401 with proline.
Molecular consequence: missense variant.
Genome position (GRCh38, 1-based): chr2:188,994,240, G>C. VCF-style: chr2-188994240-G-C. GRCh37 (hg19) VCF-style: chr2-189858966-G-C.
Other names: short protein forms A401P.
Identifiers: ClinVar variation 919195 (VCV000919195.19), dbSNP rs373858715, ClinGen allele CA62595227.
Genomic context (GRCh38, chr2:188,994,240, plus strand): 5'-TTCATAAAAGAACATTCAAGTTCGGCTAATATAGTGTCTTTGGTTTGTTCTTAGGGTCCC[G>C]CTGGCATTCCTGGAGCTCCTGGACTGATGGGAGCCCGGGGTCCTCCAGGACCAGCCGGTG-3'
Protein context (NP_000081.2, residues 391-411): SPGGKGEMGP[Ala401Pro]GIPGAPGLMG